The following is an entry in ClinVar:

ClinVar aggregate classification (germline): Benign/Likely benign. Review status: criteria provided, multiple submitters, no conflicts (2 of 4 stars). 3 submissions from 3 submitters: Benign (1); Likely benign (2). Last evaluated 2026-07-13.

Conditions:
Rhabdoid tumor predisposition syndrome 2 (RTPS2). Identifiers: Orphanet 231108, Orphanet 69077, MedGen C2750074, MONDO:0013224, OMIM 613325.
Hereditary cancer-predisposing syndrome. Also called: Tumor predisposition; Neoplastic Syndromes, Hereditary; Hereditary Cancer Syndrome; Hereditary neoplastic syndrome. Identifiers: Orphanet 140162, MedGen C0027672, MeSH D009386, MONDO:0015356.

Allele frequency attached by ClinVar (database versions not stated): TOPMed 0.00001; gnomAD exomes below 0.00001; gnomAD 0.00001.
gnomAD v4.1: 7 of 1,613,548 alleles (0.00043%); highest among the groups gnomAD compares: Non-Finnish European, 0.00042%; no homozygotes.

Submissions (3):

Myriad Genetics, Inc.
Classification: Benign for Rhabdoid tumor predisposition syndrome 2. Last evaluated: 2026-07-13. Review status: criteria provided, single submitter. Criteria: Myriad Autosomal Dominant, Autosomal Recessive and X-Linked Classification Criteria (2023). Collection method: clinical testing. Allele origin: unknown.
Comment: This variant is considered benign. This variant is a silent/synonymous amino acid change and it is not expected to impact splicing.

Labcorp Genetics (formerly Invitae), Labcorp
Classification: Likely benign for Rhabdoid tumor predisposition syndrome 2. Last evaluated: 2025-09-03. Review status: criteria provided, single submitter. Criteria: Invitae Variant Classification Sherloc (09022015). Collection method: clinical testing. Allele origin: germline.

Ambry Genetics
Classification: Likely benign for Hereditary cancer-predisposing syndrome. Last evaluated: 2016-10-26. Review status: criteria provided, single submitter. Criteria: Ambry Variant Classification Scheme 2023. Collection method: clinical testing. Allele origin: germline.

NM_003072.5(SMARCA4):c.2661G>A (p.Lys887=)

Gene: SMARCA4 (SWI/SNF related BAF chromatin remodeling complex subunit ATPase 4; plus strand). Cytogenetic location: 19p13.2.
Variant type: single nucleotide variant.
Coding change: c.2661G>A on transcript NM_003072.5 (MANE Select); coding-DNA position 2661, G replaced by A.
Protein change: p.Lys887=; no amino-acid change (lysine 887 retained).
Molecular consequence: synonymous variant. On other transcripts: non-coding transcript variant (1).
Genome position (GRCh38, 1-based): chr19:11,021,769, G>A. VCF-style: chr19-11021769-G-A. GRCh37 (hg19) VCF-style: chr19-11132445-G-A.
Other names: c.2661G>A, p.Lys887= (NM_001128844.3, NM_001128845.2, NM_001128846.2 and 5 more transcripts).
Identifiers: ClinVar variation 480552 (VCV000480552.16), dbSNP rs1275075876, ClinGen allele CA505743536.
Genomic context (GRCh38, chr19:11,021,769, plus strand): 5'-ACTCTGGGGCCCGCAGATCCGTTGGAAGTACATGATTGTGGACGAAGGTCACCGCATGAA[G>A]AACCACCACTGCAAGCTGACGCAGGTGCTCAACACGCACTATGTGGCACCCCGCCGCCTG-3'
Protein context (NP_003063.2, residues 877-897): YMIVDEGHRM[Lys887=]NHHCKLTQVL